The following is an entry in ClinVar:

ClinVar aggregate classification (germline): Benign. Review status: criteria provided, multiple submitters, no conflicts (2 of 4 stars). 4 submissions from 4 submitters: Benign (4). Last evaluated 2024-07-31.

Conditions:
Generalized epilepsy with febrile seizures plus, type 9 (GEFSP9). Also called: GEFS+, TYPE 9. Identifiers: Orphanet 36387, MedGen C4015395, MONDO:0014517, OMIM 616172.

Allele frequency attached by ClinVar (database versions not stated): ESP Exome Variant Server 0.33500; TOPMed 0.29886; 1000 Genomes Project 0.33287; ExAC 0.43674.

Submissions (4):

Unidad de Genómica Garrahan, Hospital de Pediatría Garrahan
Classification: Benign. Last evaluated: 2024-07-31. Review status: criteria provided, single submitter. Criteria: ACMG Guidelines, 2015. Collection method: clinical testing. Allele origin: germline. Affected: no. Observed: 21 variant alleles.
Comment: This variant is classified as Benign based on local population frequency. This variant was detected in 23% of patients studied in a panel designed for Epileptic and Developmental Encephalopathy, Progressive Myoclonus Epilepsy and Abnormal Movements and Neurodegeneration with brain iron accumulation. Number of patients: 21. Only high quality variants are reported.

Genome-Nilou Lab
Classification: Benign for Generalized epilepsy with febrile seizures plus, type 9. Last evaluated: 2021-07-15. Review status: criteria provided, single submitter. Criteria: ACMG Guidelines, 2015. Collection method: clinical testing. Allele origin: germline. Affected: no.

GeneDx
Classification: Benign. Last evaluated: 2019-08-10. Review status: criteria provided, single submitter. Criteria: GeneDx Variant Classification Process June 2021. Collection method: clinical testing. Allele origin: germline. Affected: yes.

Breakthrough Genomics
Classification: Benign. Review status: criteria provided, single submitter. Criteria: ACMG Guidelines, 2015. Collection method: not provided. Allele origin: germline. Inheritance: Autosomal dominant inheritance. Affected: yes.

NM_052874.5(STX1B):c.105+37C>A

Gene: STX1B (syntaxin 1B; minus strand). Cytogenetic location: 16p11.2.
Variant type: single nucleotide variant.
Coding change: c.105+37C>A on transcript NM_052874.5 (MANE Select); 37 bases into the intron after coding-DNA position 105, C replaced by A.
Molecular consequence: intron variant.
Genome position (GRCh38, 1-based): chr16:31,001,492, G>T on the plus strand (C>A on the coding strand, the complement: STX1B is on the minus strand). VCF-style: chr16-31001492-G-T. GRCh37 (hg19) VCF-style: chr16-31012813-G-T.
Identifiers: ClinVar variation 1283427 (VCV001283427.6), dbSNP rs61239537, ClinGen allele CA8018501.